The following is an entry in ClinVar:

ClinVar aggregate classification (germline): Uncertain significance (1 of 4 stars; one submission).

Conditions:
Hereditary cancer-predisposing syndrome. Also called: Neoplastic Syndromes, Hereditary; Tumor predisposition; Hereditary Cancer Syndrome; Hereditary neoplastic syndrome. Identifiers: Orphanet 140162, MedGen C0027672, MeSH D009386, MONDO:0015356.

Submission:

Ambry Genetics
Classification: Uncertain significance for Hereditary cancer-predisposing syndrome. Last evaluated: 2026-04-11. Review status: criteria provided, single submitter. Criteria: Ambry Variant Classification Scheme 2023. Collection method: clinical testing. Allele origin: germline.
Comment: The p.L918H variant (also known as c.2753T>A), located in coding exon 18 of the SMARCA4 gene, results from a T to A substitution at nucleotide position 2753. The leucine at codon 918 is replaced by histidine, an amino acid with similar properties. This amino acid position is conserved. In addition, this alteration is predicted to be deleterious by in silico analysis. Based on the available evidence, the clinical significance of this variant remains unclear.

NM_003072.5(SMARCA4):c.2753T>A (p.Leu918His)

Gene: SMARCA4 (SWI/SNF related BAF chromatin remodeling complex subunit ATPase 4; plus strand). Cytogenetic location: 19p13.2.
Variant type: single nucleotide variant.
Coding change: c.2753T>A on transcript NM_003072.5 (MANE Select); coding-DNA position 2753, T replaced by A.
Protein change: p.Leu918His; replaces leucine 918 with histidine.
Molecular consequence: missense variant. On other transcripts: non-coding transcript variant (1).
Genome position (GRCh38, 1-based): chr19:11,021,861, T>A. VCF-style: chr19-11021861-T-A. GRCh37 (hg19) VCF-style: chr19-11132537-T-A.
Other names: c.2753T>A, p.Leu918His (NM_001128844.3, NM_001128845.2, NM_001128846.2 and 6 more transcripts); short protein forms L918H.
Identifiers: ClinVar variation 4864753 (VCV004864753.1).